The following is an entry in ClinVar:

ClinVar aggregate classification (germline): Uncertain significance (1 of 4 stars; one submission).

Conditions:
Familial temporal lobe epilepsy 7. Identifiers: Orphanet 101046, MedGen C4225327, MONDO:0014639, OMIM 616436.
Norman-Roberts syndrome (LIS2). Also called: Lissencephaly 2 (Norman-Roberts type). Identifiers: Orphanet 89844, MedGen C0796089, MONDO:0009760, OMIM 257320.

Allele frequency attached by ClinVar (database versions not stated): gnomAD exomes below 0.00001.
gnomAD v4.1: 4 of 1,503,422 alleles (0.00027%); highest among the groups gnomAD compares: South Asian, 0.0023%; no homozygotes.

Submission:

Labcorp Genetics (formerly Invitae), Labcorp
Classification: Uncertain significance for Familial temporal lobe epilepsy 7; Norman-Roberts syndrome. Last evaluated: 2023-10-03. Review status: criteria provided, single submitter. Criteria: Invitae Variant Classification Sherloc (09022015). Collection method: clinical testing. Allele origin: germline.
Comment: This sequence change replaces arginine, which is basic and polar, with lysine, which is basic and polar, at codon 1847 of the RELN protein (p.Arg1847Lys). This variant is not present in population databases (gnomAD no frequency). This variant has not been reported in the literature in individuals affected with RELN-related conditions. Advanced modeling of protein sequence and biophysical properties (such as structural, functional, and spatial information, amino acid conservation, physicochemical variation, residue mobility, and thermodynamic stability) has been performed at Invitae for this missense variant, however the output from this modeling did not meet the statistical confidence thresholds required to predict the impact of this variant on RELN protein function. In summary, the available evidence is currently insufficient to determine the role of this variant in disease. Therefore, it has been classified as a Variant of Uncertain Significance.

NM_005045.4(RELN):c.5540G>A (p.Arg1847Lys)

Gene: RELN (reelin; minus strand). Cytogenetic location: 7q22.1.
Variant type: single nucleotide variant.
Coding change: c.5540G>A on transcript NM_005045.4 (MANE Select); coding-DNA position 5540, G replaced by A.
Protein change: p.Arg1847Lys; replaces arginine 1847 with lysine.
Molecular consequence: missense variant.
Genome position (GRCh38, 1-based): chr7:103,558,039, C>T on the plus strand (G>A on the coding strand, the complement: RELN is on the minus strand). VCF-style: chr7-103558039-C-T. GRCh37 (hg19) VCF-style: chr7-103198486-C-T.
Other names: c.5540G>A, p.Arg1847Lys (NM_173054.3); short protein forms R1847K.
Identifiers: ClinVar variation 2930548 (VCV002930548.3), dbSNP rs1260461278, ClinGen allele CA368742667.